The following is an entry in ClinVar:

NM_007194.4(CHEK2):c.1375+2T>C

Gene: CHEK2 (checkpoint kinase 2; minus strand). Cytogenetic location: 22q12.1.
Variant type: single nucleotide variant.
Coding change: c.1375+2T>C on transcript NM_007194.4 (MANE Select); the canonical splice donor site of the intron after coding-DNA position 1375, T replaced by C.
Molecular consequence: splice donor variant.
Genome position (GRCh38, 1-based): chr22:28,695,125, A>G on the plus strand (T>C on the coding strand, the complement: CHEK2 is on the minus strand). VCF-style: chr22-28695125-A-G. GRCh37 (hg19) VCF-style: chr22-29091113-A-G.
Other names: c.712+2T>C (NM_001437942.1, NM_001257387.3); c.1174+2T>C (NM_001349956.3); c.1288+2T>C (NM_145862.3); c.1381+2T>C (NM_001438295.1); c.1468+2T>C (NM_001438293.1); c.1417+2T>C (NM_001438294.1); c.1504+2T>C (NM_001005735.3).
Identifiers: ClinVar variation 1066796 (VCV001066796.9), dbSNP rs1483241325, ClinGen allele CA411095299.

ClinVar aggregate classification (germline): Likely pathogenic. Review status: criteria provided, multiple submitters, no conflicts (2 of 4 stars). 2 submissions from 2 submitters: Likely pathogenic (2). Last evaluated 2023-11-07.

Conditions:
Familial cancer of breast. Also called: hereditary breast carcinoma; BREAST CANCER, FAMILIAL; Hereditary breast cancer. Identifiers: Orphanet 227535, MedGen C0346153, MONDO:0016419, OMIM 114480. Disease mechanism: loss of function.

Submissions (2):

Baylor Genetics
Classification: Likely pathogenic for Familial cancer of breast. Last evaluated: 2023-11-07. Review status: criteria provided, single submitter. Criteria: ACMG Guidelines, 2015. Collection method: clinical testing. Allele origin: unknown.

Labcorp Genetics (formerly Invitae), Labcorp
Classification: Likely pathogenic for Familial cancer of breast. Last evaluated: 2022-07-31. Review status: criteria provided, single submitter. Criteria: Invitae Variant Classification Sherloc (09022015). Collection method: clinical testing. Allele origin: germline.
Comment: In summary, the currently available evidence indicates that the variant is pathogenic, but additional data are needed to prove that conclusively. Therefore, this variant has been classified as Likely Pathogenic. Algorithms developed to predict the effect of sequence changes on RNA splicing suggest that this variant may disrupt the consensus splice site. ClinVar contains an entry for this variant (Variation ID: 1066796). This variant has not been reported in the literature in individuals affected with CHEK2-related conditions. This variant is not present in population databases (gnomAD no frequency). This sequence change affects a donor splice site in intron 12 of the CHEK2 gene. It is expected to disrupt RNA splicing. Variants that disrupt the donor or acceptor splice site typically lead to a loss of protein function (PMID: 16199547), and loss-of-function variants in CHEK2 are known to be pathogenic (PMID: 21876083, 24713400).

Literature cited by the submitters: PubMed 16199547 (cited by Labcorp Genetics (formerly Invitae), Labcorp); PubMed 21876083 (cited by Labcorp Genetics (formerly Invitae), Labcorp); PubMed 24713400 (cited by Labcorp Genetics (formerly Invitae), Labcorp).